The following is an entry in ClinVar:

ClinVar aggregate classification (germline): Benign (1 of 4 stars; one submission).

Allele frequency attached by ClinVar (database versions not stated): gnomAD 0.15591 and 0.16101; TOPMed 0.16359; 1000 Genomes Project 30x 0.24500; 1000 Genomes Project 0.24740.
gnomAD v4.1: 24,377 of 152,166 alleles (16%); highest among the groups gnomAD compares: East Asian, 44%; 2,483 homozygotes.

Submissions (20):

GeneDx
Classification: Benign. Last evaluated: 2018-06-14. Review status: criteria provided, single submitter. Criteria: GeneDx Variant Classification (06012015). Collection method: clinical testing. Allele origin: germline. Affected: yes.
Comment: This variant is considered likely benign or benign based on one or more of the following criteria: it is a conservative change, it occurs at a poorly conserved position in the protein, it is predicted to be benign by multiple in silico algorithms, and/or has population frequency not consistent with disease.

Dr. Peter K. Rogan Lab, Western University
No classification provided (evidence only). Condition: Acute myeloid leukemia. Review status: no classification provided. Collection method: in vitro. Allele origin: not applicable. Functional consequence: retained intron. Not counted in ClinVar's aggregate classification.

Dr. Peter K. Rogan Lab, Western University
No classification provided (evidence only). Condition: Acute myeloid leukemia. Review status: no classification provided. Collection method: in vitro. Allele origin: not applicable. Functional consequence: retained intron. Not counted in ClinVar's aggregate classification.

Dr. Peter K. Rogan Lab, Western University
No classification provided (evidence only). Condition: Uterine corpus endometrial carcinoma. Review status: no classification provided. Collection method: in vitro. Allele origin: not applicable. Functional consequence: retained intron. Not counted in ClinVar's aggregate classification.

Dr. Peter K. Rogan Lab, Western University
No classification provided (evidence only). Condition: Uterine corpus endometrial carcinoma. Review status: no classification provided. Collection method: in vitro. Allele origin: not applicable. Functional consequence: retained intron. Not counted in ClinVar's aggregate classification.

Dr. Peter K. Rogan Lab, Western University
No classification provided (evidence only). Condition: Uterine corpus endometrial carcinoma. Review status: no classification provided. Collection method: in vitro. Allele origin: not applicable. Functional consequence: retained intron. Not counted in ClinVar's aggregate classification.

Dr. Peter K. Rogan Lab, Western University
No classification provided (evidence only). Condition: Uterine corpus endometrial carcinoma. Review status: no classification provided. Collection method: in vitro. Allele origin: not applicable. Functional consequence: retained intron. Not counted in ClinVar's aggregate classification.

Dr. Peter K. Rogan Lab, Western University
No classification provided (evidence only). Condition: Uterine corpus endometrial carcinoma. Review status: no classification provided. Collection method: in vitro. Allele origin: not applicable. Functional consequence: retained intron. Not counted in ClinVar's aggregate classification.

Dr. Peter K. Rogan Lab, Western University
No classification provided (evidence only). Condition: Uterine corpus endometrial carcinoma. Review status: no classification provided. Collection method: in vitro. Allele origin: not applicable. Functional consequence: retained intron. Not counted in ClinVar's aggregate classification.

Dr. Peter K. Rogan Lab, Western University
No classification provided (evidence only). Condition: Thymoma. Review status: no classification provided. Collection method: in vitro. Allele origin: not applicable. Functional consequence: retained intron. Not counted in ClinVar's aggregate classification.

Dr. Peter K. Rogan Lab, Western University
No classification provided (evidence only). Condition: Thymoma. Review status: no classification provided. Collection method: in vitro. Allele origin: not applicable. Functional consequence: retained intron. Not counted in ClinVar's aggregate classification.

Dr. Peter K. Rogan Lab, Western University
No classification provided (evidence only). Condition: Thymoma. Review status: no classification provided. Collection method: in vitro. Allele origin: not applicable. Functional consequence: skipped exon, retained intron. Not counted in ClinVar's aggregate classification.

Dr. Peter K. Rogan Lab, Western University
No classification provided (evidence only). Condition: Thymoma. Review status: no classification provided. Collection method: in vitro. Allele origin: not applicable. Functional consequence: retained intron. Not counted in ClinVar's aggregate classification.

Dr. Peter K. Rogan Lab, Western University
No classification provided (evidence only). Condition: Thymoma. Review status: no classification provided. Collection method: in vitro. Allele origin: not applicable. Functional consequence: retained intron. Not counted in ClinVar's aggregate classification.

Dr. Peter K. Rogan Lab, Western University
No classification provided (evidence only). Condition: Thymoma. Review status: no classification provided. Collection method: in vitro. Allele origin: not applicable. Functional consequence: retained intron. Not counted in ClinVar's aggregate classification.

Dr. Peter K. Rogan Lab, Western University
No classification provided (evidence only). Condition: Thymoma. Review status: no classification provided. Collection method: in vitro. Allele origin: not applicable. Functional consequence: retained intron. Not counted in ClinVar's aggregate classification.

Dr. Peter K. Rogan Lab, Western University
No classification provided (evidence only). Condition: Thymoma. Review status: no classification provided. Collection method: in vitro. Allele origin: not applicable. Functional consequence: skipped exon. Not counted in ClinVar's aggregate classification.

Dr. Peter K. Rogan Lab, Western University
No classification provided (evidence only). Condition: Cholangiocarcinoma. Review status: no classification provided. Collection method: in vitro. Allele origin: not applicable. Functional consequence: retained intron. Not counted in ClinVar's aggregate classification.

Dr. Peter K. Rogan Lab, Western University
No classification provided (evidence only). Condition: Ovarian serous cystadenocarcinoma. Review status: no classification provided. Collection method: in vitro. Allele origin: not applicable. Functional consequence: retained intron. Not counted in ClinVar's aggregate classification.

Dr. Peter K. Rogan Lab, Western University
No classification provided (evidence only). Condition: Ovarian serous cystadenocarcinoma. Review status: no classification provided. Collection method: in vitro. Allele origin: not applicable. Functional consequence: retained intron. Not counted in ClinVar's aggregate classification.

NM_001130438.3(SPTAN1):c.363+274A>G

Gene: SPTAN1 (spectrin alpha, non-erythrocytic 1; plus strand). Cytogenetic location: 9q34.11.
Variant type: single nucleotide variant.
Coding change: c.363+274A>G on transcript NM_001130438.3 (MANE Select); 274 bases into the intron after coding-DNA position 363, A replaced by G.
Molecular consequence: intron variant.
Genome position (GRCh38, 1-based): chr9:128,569,171, A>G. VCF-style: chr9-128569171-A-G. GRCh37 (hg19) VCF-style: chr9-131331450-A-G.
Other names: NC_000009.11:g.131331450A>G; c.363+274A>G (NM_001363759.2, NM_003127.4, NM_001363765.2 and 1 more transcripts).
Identifiers: ClinVar variation 680787 (VCV000680787.2), dbSNP rs3763599, ClinGen allele CA15587697.